The following is an entry in ClinVar:

NM_024577.4(SH3TC2):c.3491A>T (p.Gln1164Leu)

Gene: SH3TC2 (SH3 domain and tetratricopeptide repeats 2; minus strand). Cytogenetic location: 5q32.
Variant type: single nucleotide variant.
Coding change: c.3491A>T on transcript NM_024577.4 (MANE Select); coding-DNA position 3491, A replaced by T.
Protein change: p.Gln1164Leu; replaces glutamine 1164 with leucine.
Molecular consequence: missense variant.
Genome position (GRCh38, 1-based): chr5:149,007,065, T>A on the plus strand (A>T on the coding strand, the complement: SH3TC2 is on the minus strand). VCF-style: chr5-149007065-T-A. GRCh37 (hg19) VCF-style: chr5-148386628-T-A.
Other names: short protein forms Q1164L.
Identifiers: ClinVar variation 2047842 (VCV002047842.4), dbSNP rs757864031, ClinGen allele CA3498702.

ClinVar aggregate classification (germline): Uncertain significance (1 of 4 stars; one submission).

Conditions:
Charcot-Marie-Tooth disease type 4. Also called: Charcot-Marie-Tooth, Type 4; Charcot-Marie-Tooth disease, type IV. Identifiers: Orphanet 64749, MedGen C4082197, MONDO:0018995.

Allele frequency attached by ClinVar (database versions not stated): ExAC 0.00001.
gnomAD v4.1: 8 of 1,614,210 alleles (0.0005%); highest among the groups gnomAD compares: Non-Finnish European, 0.00068%; no homozygotes.

Submission:

Labcorp Genetics (formerly Invitae), Labcorp
Classification: Uncertain significance for Charcot-Marie-Tooth disease type 4. Last evaluated: 2022-08-01. Review status: criteria provided, single submitter. Criteria: Invitae Variant Classification Sherloc (09022015). Collection method: clinical testing. Allele origin: germline.
Comment: In summary, the available evidence is currently insufficient to determine the role of this variant in disease. Therefore, it has been classified as a Variant of Uncertain Significance. Advanced modeling of protein sequence and biophysical properties (such as structural, functional, and spatial information, amino acid conservation, physicochemical variation, residue mobility, and thermodynamic stability) performed at Invitae indicates that this missense variant is not expected to disrupt SH3TC2 protein function. This variant has not been reported in the literature in individuals affected with SH3TC2-related conditions. This variant is present in population databases (rs757864031, gnomAD 0.0009%). This sequence change replaces glutamine, which is neutral and polar, with leucine, which is neutral and non-polar, at codon 1164 of the SH3TC2 protein (p.Gln1164Leu).